The following is an entry in ClinVar:

NM_001378778.1(MPDZ):c.2364+1G>A

Gene: MPDZ (multiple PDZ domain crumbs cell polarity complex component; minus strand). Cytogenetic location: 9p23.
Variant type: single nucleotide variant.
Coding change: c.2364+1G>A on transcript NM_001378778.1 (MANE Select); the canonical splice donor site of the intron after coding-DNA position 2364, G replaced by A.
Molecular consequence: splice donor variant.
Genome position (GRCh38, 1-based): chr9:13,188,783, C>T on the plus strand (G>A on the coding strand, the complement: MPDZ is on the minus strand). VCF-style: chr9-13188783-C-T. GRCh37 (hg19) VCF-style: chr9-13188782-C-T.
Other names: c.2364+1G>A (NM_001375425.1, NM_001375420.1, NM_001375419.1 and 14 more transcripts).
Identifiers: ClinVar variation 2986719 (VCV002986719.3), dbSNP rs767669471, ClinGen allele CA4987490.

ClinVar aggregate classification (germline): Likely pathogenic (1 of 4 stars; one submission).

gnomAD v4.1: 22 of 1,607,466 alleles (0.0014%); highest among the groups gnomAD compares: African/African-American, 0.011%; no homozygotes.

Submission:

Labcorp Genetics (formerly Invitae), Labcorp
Classification: Likely pathogenic. Last evaluated: 2024-01-07. Review status: criteria provided, single submitter. Criteria: Invitae Variant Classification Sherloc (09022015). Collection method: clinical testing. Allele origin: germline.
Comment: This sequence change affects a donor splice site in intron 17 of the MPDZ gene. It is expected to disrupt RNA splicing. Variants that disrupt the donor or acceptor splice site typically lead to a loss of protein function (PMID: 16199547), and loss-of-function variants in MPDZ are known to be pathogenic (PMID: 23240096, 28556411). This variant is present in population databases (rs767669471, gnomAD 0.02%). This variant has not been reported in the literature in individuals affected with MPDZ-related conditions. Algorithms developed to predict the effect of sequence changes on RNA splicing suggest that this variant may disrupt the consensus splice site. In summary, the currently available evidence indicates that the variant is pathogenic, but additional data are needed to prove that conclusively. Therefore, this variant has been classified as Likely Pathogenic.

Literature cited by the submitters: PubMed 16199547; PubMed 23240096; PubMed 28556411.